The following is an entry in ClinVar:

NM_198252.3(GSN):c.309G>A (p.Ser103=)

Gene: GSN (gelsolin; plus strand). Cytogenetic location: 9q33.2.
Variant type: single nucleotide variant.
Coding change: c.309G>A on transcript NM_198252.3 (MANE Select); coding-DNA position 309, G replaced by A.
Protein change: p.Ser103=; no amino-acid change (serine 103 retained).
Molecular consequence: synonymous variant. On other transcripts: 5 prime UTR variant (1).
Genome position (GRCh38, 1-based): chr9:121,303,023, G>A. VCF-style: chr9-121303023-G-A. GRCh37 (hg19) VCF-style: chr9-124065301-G-A.
Other names: c.342G>A, p.Ser114= (NM_001353067.2, NM_001353068.2, NM_001353069.2 and 13 more transcripts); c.381G>A, p.Ser127= (NM_001353076.2); c.-346G>A (NM_001353078.2); c.462G>A, p.Ser154= (NM_000177.5); c.309G>A, p.Ser103= (NM_001127662.2, NM_001127664.2, NM_001127665.2 and 10 more transcripts); c.417G>A, p.Ser139= (NM_001127663.2); c.360G>A, p.Ser120= (NM_001258029.2); c.333G>A, p.Ser111= (NM_001258030.2); and 1 more.
Identifiers: ClinVar variation 3719495 (VCV003719495.3).
Genomic context (GRCh38, chr9:121,303,023, plus strand): 5'-GCTGGATGACTACCTGAACGGCCGGGCCGTGCAGCACCGTGAGGTCCAGGGCTTCGAGTC[G>A]GCCACCTTCCTAGGCTACTTCAAGTCTGGCCTGAAGTACAAGGTGGGTTGGGCCCCACCT-3'
Protein context (NP_937895.1, residues 93-113): VQHREVQGFE[Ser103=]ATFLGYFKSG

ClinVar aggregate classification (germline): Likely benign. Review status: criteria provided, multiple submitters, no conflicts (2 of 4 stars). 2 submissions from 2 submitters: Likely benign (2). Last evaluated 2026-02-25.

Conditions:
GSN-related disorder. Also called: GSN-related condition.

gnomAD v4.1: 24 of 1,613,746 alleles (0.0015%); highest among the groups gnomAD compares: Non-Finnish European, 0.0018%; no homozygotes.

Submissions (2):

PreventionGenetics, part of Exact Sciences
Classification: Likely benign for GSN-related condition. Last evaluated: 2026-02-25. Review status: criteria provided, single submitter. Criteria: ACMG Guidelines, 2015. Collection method: clinical testing. Allele origin: germline.
Comment: This variant is classified as likely benign based on ACMG/AMP sequence variant interpretation guidelines (Richards et al. 2015 PMID: 25741868, with internal and published modifications).

Labcorp Genetics (formerly Invitae), Labcorp
Classification: Likely benign. Last evaluated: 2025-02-11. Review status: criteria provided, single submitter. Criteria: Invitae Variant Classification Sherloc (09022015). Collection method: clinical testing. Allele origin: germline.